The following is an entry in ClinVar:

ClinVar aggregate classification (germline): Uncertain significance (1 of 4 stars; one submission).

Conditions:
Hypertrophic cardiomyopathy. Also called: HYPERTROPHIC MYOCARDIOPATHY. Identifiers: Orphanet 217569, MedGen C0007194, MeSH D002312, MONDO:0005045, HP:0001639.

Submission:

Labcorp Genetics (formerly Invitae), Labcorp
Classification: Uncertain significance for Hypertrophic cardiomyopathy. Last evaluated: 2022-06-05. Review status: criteria provided, single submitter. Criteria: Invitae Variant Classification Sherloc (09022015). Collection method: clinical testing. Allele origin: germline.
Comment: In summary, the available evidence is currently insufficient to determine the role of this variant in disease. Therefore, it has been classified as a Variant of Uncertain Significance. Experimental studies and prediction algorithms are not available or were not evaluated, and the functional significance of this variant is currently unknown. This variant has not been reported in the literature in individuals affected with MYH7-related conditions. This variant results in a copy number gain of the genomic region encompassing exon(s) 3-34 of the MYH7 gene. This region includes the initiator codon of the gene. This copy number gain extends beyond the assayed region for this gene and therefore may encompass additional genes. As the precise location of this event is unknown, it may be in tandem or it may be located elsewhere in the genome.

NC_000014.8:g.(?_23885193)_(23902941_?)dup

Genes: MIR208B (microRNA 208b; minus strand), MYH7 (myosin heavy chain 7; minus strand). Cytogenetic location: 14q11.2.
Variant type: Duplication.
Identifiers: ClinVar variation 2422694 (VCV002422694.4).